The following is an entry in ClinVar:

ClinVar aggregate classification (germline): Uncertain significance (1 of 4 stars; one submission).

Conditions:
Neuroblastoma, susceptibility to, 3. Also called: ALK-Related Neuroblastic Tumor Susceptibility. Identifiers: Orphanet 635, MedGen C2751681, MONDO:0013083, OMIM 613014.

Allele frequency attached by ClinVar (database versions not stated): gnomAD exomes below 0.00001; TOPMed below 0.00001.
gnomAD v4.1: 1 of 1,614,184 alleles (0.000062%); highest among the groups gnomAD compares: Non-Finnish European, 0.000085%; no homozygotes.

Submission:

Labcorp Genetics (formerly Invitae), Labcorp
Classification: Uncertain significance for Neuroblastoma, susceptibility to, 3. Last evaluated: 2018-11-28. Review status: criteria provided, single submitter. Criteria: Invitae Variant Classification Sherloc (09022015). Collection method: clinical testing. Allele origin: germline.
Comment: This sequence change replaces glutamic acid with glutamine at codon 1400 of the ALK protein (p.Glu1400Gln). The glutamic acid residue is highly conserved and there is a small physicochemical difference between glutamic acid and glutamine. In summary, the available evidence is currently insufficient to determine the role of this variant in disease. Therefore, it has been classified as a Variant of Uncertain Significance. Algorithms developed to predict the effect of missense changes on protein structure and function are either unavailable or do not agree on the potential impact of this missense change (SIFT: "Deleterious"; PolyPhen-2: "Probably Damaging"; Align-GVGD: "Class C0"). This variant has not been reported in the literature in individuals with ALK-related conditions. This variant is not present in population databases (ExAC no frequency).

NM_004304.5(ALK):c.4198G>C (p.Glu1400Gln)

Gene: ALK (ALK receptor tyrosine kinase; minus strand). Cytogenetic location: 2p23.2.
Variant type: single nucleotide variant.
Coding change: c.4198G>C on transcript NM_004304.5 (MANE Select); coding-DNA position 4198, G replaced by C.
Protein change: p.Glu1400Gln; replaces glutamic acid 1400 with glutamine.
Molecular consequence: missense variant.
Genome position (GRCh38, 1-based): chr2:29,193,889, C>G on the plus strand (G>C on the coding strand, the complement: ALK is on the minus strand). VCF-style: chr2-29193889-C-G. GRCh37 (hg19) VCF-style: chr2-29416755-C-G.
Other names: c.994G>C, p.Glu332Gln (NM_001353765.2); short protein forms E1400Q, E332Q.
Identifiers: ClinVar variation 654048 (VCV000654048.8), dbSNP rs1573079264, ClinGen allele CA346463360.